The following is an entry in ClinVar:

NM_001080442.3(SLC38A8):c.385A>T (p.Lys129Ter)

Gene: SLC38A8 (solute carrier family 38 member 8; minus strand). Cytogenetic location: 16q23.3.
Variant type: single nucleotide variant.
Coding change: c.385A>T on transcript NM_001080442.3 (MANE Select); coding-DNA position 385, A replaced by T.
Protein change: p.Lys129Ter; replaces lysine 129 with a stop codon.
Molecular consequence: nonsense.
Genome position (GRCh38, 1-based): chr16:84,036,705, T>A on the plus strand (A>T on the coding strand, the complement: SLC38A8 is on the minus strand). VCF-style: chr16-84036705-T-A. GRCh37 (hg19) VCF-style: chr16-84070310-T-A.
Other names: short protein forms K129*.
Identifiers: ClinVar variation 2708550 (VCV002708550.3), dbSNP rs2507668196, ClinGen allele CA396941578.

ClinVar aggregate classification (germline): Pathogenic (1 of 4 stars; one submission).

Submission:

Labcorp Genetics (formerly Invitae), Labcorp
Classification: Pathogenic. Last evaluated: 2024-12-09. Review status: criteria provided, single submitter. Criteria: Invitae Variant Classification Sherloc (09022015). Collection method: clinical testing. Allele origin: germline.
Comment: This sequence change creates a premature translational stop signal (p.Lys129*) in the SLC38A8 gene. It is expected to result in an absent or disrupted protein product. Loss-of-function variants in SLC38A8 are known to be pathogenic (PMID: 24290379). This variant is not present in population databases (gnomAD no frequency). This variant has not been reported in the literature in individuals affected with SLC38A8-related conditions. ClinVar contains an entry for this variant (Variation ID: 2708550). For these reasons, this variant has been classified as Pathogenic.

Literature cited by the submitters: PubMed 24290379.